The following is an entry in ClinVar:

NM_001145809.2(MYH14):c.1329+15C>T

Gene: MYH14 (myosin heavy chain 14; plus strand). Cytogenetic location: 19q13.33.
Variant type: single nucleotide variant.
Coding change: c.1329+15C>T on transcript NM_001145809.2 (MANE Select); 15 bases into the intron after coding-DNA position 1329, C replaced by T.
Molecular consequence: intron variant.
Genome position (GRCh38, 1-based): chr19:50,247,137, C>T. VCF-style: chr19-50247137-C-T. GRCh37 (hg19) VCF-style: chr19-50750394-C-T.
Other names: c.1329+15C>T (NM_001077186.2); c.1305+15C>T (NM_024729.4).
Identifiers: ClinVar variation 178415 (VCV000178415.42), dbSNP rs200176028, ClinGen allele CA182282.
Genomic context (GRCh38, chr19:50,247,137, plus strand): 5'-CAAAGTTGGCCGAGACTATGTGCAGAAAGCCCAGACTAAGGAACAGGTAGGCGGGGCTGG[C>T]GGTGGGCAGGCACAGAAAGAGCCGCGCACCCCGGCCCTGGGTCTTTAAACAGTGTATGCT-3'

ClinVar aggregate classification (germline): Benign/Likely benign. Review status: criteria provided, multiple submitters, no conflicts (2 of 4 stars). 7 submissions from 7 submitters: Benign (4); Likely benign (3). Last evaluated 2026-02-01.

Conditions:
Autosomal dominant nonsyndromic hearing loss 4A. Also called: Deafness, autosomal dominant 4A. Identifiers: Orphanet 90635, MedGen C1833503, MONDO:0010915, OMIM 600652.
Peripheral neuropathy-myopathy-hoarseness-hearing loss syndrome. Identifiers: Orphanet 397744, MedGen C3280556, MONDO:0013711, OMIM 614369.

Allele frequency attached by ClinVar (database versions not stated): 1000 Genomes Project 0.00060; 1000 Genomes Project 30x 0.00062; gnomAD 0.00224 and 0.00227; ESP Exome Variant Server 0.00232; TOPMed 0.00257; gnomAD exomes 0.00271 and 0.00339; ExAC 0.00282.
gnomAD v4.1: 5,232 of 1,583,854 alleles (0.33%); highest among the groups gnomAD compares: Non-Finnish European, 0.36%; 14 homozygotes.

Submissions (7):

Labcorp Genetics (formerly Invitae), Labcorp
Classification: Benign. Last evaluated: 2026-02-01. Review status: criteria provided, single submitter. Criteria: Invitae Variant Classification Sherloc (09022015). Collection method: clinical testing. Allele origin: germline.

Blueprint Genetics
Classification: Likely benign. Last evaluated: 2024-11-19. Review status: criteria provided, single submitter. Criteria: ACMG Guidelines, 2015. Collection method: clinical testing. Allele origin: germline.

CeGaT Center for Human Genetics Tuebingen
Classification: Benign. Last evaluated: 2022-06-01. Review status: criteria provided, single submitter. Criteria: CeGaT Center For Human Genetics Tuebingen Variant Classification Criteria Version 2. Collection method: clinical testing. Allele origin: germline. Affected: yes. Observed: 1 variant allele.
Comment: MYH14: BS1, BS2

Fulgent Genetics
Classification: Benign for Autosomal dominant nonsyndromic hearing loss 4A; Peripheral neuropathy-myopathy-hoarseness-hearing loss syndrome. Last evaluated: 2021-07-28. Review status: criteria provided, single submitter. Criteria: ACMG Guidelines, 2015. Collection method: clinical testing. Allele origin: unknown.

Illumina Laboratory Services, Illumina
Classification: Likely benign for Autosomal dominant nonsyndromic hearing loss 4A. Last evaluated: 2018-01-13. Review status: criteria provided, single submitter. Criteria: ICSL Variant Classification Criteria 13 December 2019. Collection method: clinical testing. Allele origin: germline.
Comment: This variant was observed in the ICSL laboratory as part of a predisposition screen in an ostensibly healthy population. It had not been previously curated by ICSL or reported in the Human Gene Mutation Database (HGMD: prior to June 1st, 2018), and was therefore a candidate for classification through an automated scoring system. Utilizing variant allele frequency, disease prevalence and penetrance estimates, and inheritance mode, an automated score was calculated to assess if this variant is too frequent to cause the disease. Based on the score and internal cut-off values, a variant classified as likely benign is not then subjected to further curation. The score for this variant resulted in a classification of likely benign for this disease.

Laboratory for Molecular Medicine, Mass General Brigham Personalized Medicine
Classification: Benign. Last evaluated: 2012-04-30. Review status: criteria provided, single submitter. Criteria: LMM Criteria. Collection method: clinical testing. Allele origin: germline. Observed: 11 variant alleles.
Comment: 1329+15C>T in Intron 12 of MYH14: This variant is not expected to have clinical significance because it is not located within the conserved splice consensus seq uence and has been identified in 0.4% (24/6830) of European American chromosomes from a broad population by the NHLBI Exome Sequencing Project.

Breakthrough Genomics
Classification: Likely benign. Review status: criteria provided, single submitter. Criteria: ACMG Guidelines, 2015. Collection method: not provided. Allele origin: germline. Inheritance: Autosomal dominant inheritance. Affected: yes.